The following is an entry in ClinVar:

NC_000011.9:g.(?_108124463)_(108126942_?)del

Gene: ATM (ATM serine/threonine kinase; plus strand). Cytogenetic location: 11q22.3.
Variant type: Deletion.
Identifiers: ClinVar variation 1489154 (VCV001489154.4).

ClinVar aggregate classification (germline): Likely pathogenic (1 of 4 stars; one submission).

Conditions:
Ataxia-telangiectasia syndrome (AT). Also called: LOUIS-BAR SYNDROME; Ataxia-telangiectasia; Cerebello-oculocutaneous telangiectasia; Immunodeficiency with ataxia telangiectasia; ATAXIA-TELANGIECTASIA, COMPLEMENTATION GROUP A; ATAXIA-TELANGIECTASIA, FRESNO VARIANT. Identifiers: Orphanet 100, MedGen C0004135, MONDO:0008840, OMIM 208900.

Submission:

Labcorp Genetics (formerly Invitae), Labcorp
Classification: Likely pathogenic for Ataxia-telangiectasia syndrome. Last evaluated: 2021-08-17. Review status: criteria provided, single submitter. Criteria: Invitae Variant Classification Sherloc (09022015). Collection method: clinical testing. Allele origin: germline.
Comment: This variant results in the deletion of exon 13 and part of exon 14 (c.1899-78_2125delinsAGT) of the ATM gene. It is expected to disrupt RNA splicing. Variants that disrupt the donor or acceptor splice site typically lead to a loss of protein function (PMID: 16199547), and loss-of-function variants in ATM are known to be pathogenic (PMID: 23807571, 25614872). This variant has not been reported in the literature in individuals affected with ATM-related conditions. In summary, the currently available evidence indicates that the variant is pathogenic, but additional data are needed to prove that conclusively. Therefore, this variant has been classified as Likely Pathogenic.

Literature cited by the submitters: PubMed 16199547; PubMed 23807571; PubMed 25614872.